The following is an entry in ClinVar:

ClinVar aggregate classification (germline): Likely benign. Review status: criteria provided, multiple submitters, no conflicts (2 of 4 stars). 4 submissions from 4 submitters: Likely benign (3). 1 of the submissions does not count toward it. Last evaluated 2026-01-21.

Conditions:
FBLN5-related disorder. Also called: FBLN5-related condition.

Allele frequency attached by ClinVar (database versions not stated): ExAC 0.00005; gnomAD exomes 0.00005 and 0.00007; TOPMed 0.00006; gnomAD 0.00011.
gnomAD v4.1: 90 of 1,613,902 alleles (0.0056%); highest among the groups gnomAD compares: Middle Eastern, 0.017%; no homozygotes.

Submissions (4):

Labcorp Genetics (formerly Invitae), Labcorp
Classification: Likely benign. Last evaluated: 2026-01-21. Review status: criteria provided, single submitter. Criteria: Invitae Variant Classification Sherloc (09022015). Collection method: clinical testing. Allele origin: germline.

ARUP Laboratories, Molecular Genetics and Genomics, ARUP Laboratories
Classification: Likely benign. Last evaluated: 2024-10-16. Review status: criteria provided, single submitter. Criteria: ARUP Molecular Germline Variant Investigation Process 2024. Collection method: clinical testing. Allele origin: germline.

GeneDx
Classification: Likely benign. Last evaluated: 2020-09-25. Review status: criteria provided, single submitter. Criteria: GeneDx Variant Classification Process June 2021. Collection method: clinical testing. Allele origin: germline. Affected: yes.

PreventionGenetics, part of Exact Sciences
Classification: Likely benign for FBLN5-related condition. Last evaluated: 2020-10-14. Review status: no assertion criteria provided. Collection method: clinical testing. Allele origin: germline. Not counted in ClinVar's aggregate classification.
Comment: This variant is classified as likely benign based on ACMG/AMP sequence variant interpretation guidelines (Richards et al. 2015 PMID: 25741868, with internal and published modifications).

NM_006329.4(FBLN5):c.747C>T (p.Asp249=)

Gene: FBLN5 (fibulin 5; minus strand). Cytogenetic location: 14q32.12.
Variant type: single nucleotide variant.
Coding change: c.747C>T on transcript NM_006329.4 (MANE Select); coding-DNA position 747, C replaced by T.
Protein change: p.Asp249=; no amino-acid change (aspartic acid 249 retained).
Molecular consequence: synonymous variant.
Genome position (GRCh38, 1-based): chr14:91,883,069, G>A on the plus strand (C>T on the coding strand, the complement: FBLN5 is on the minus strand). VCF-style: chr14-91883069-G-A. GRCh37 (hg19) VCF-style: chr14-92349413-G-A.
Other names: c.870C>T, p.Asp290= (NM_001384158.1); c.798C>T, p.Asp266= (NM_001384159.1); c.747C>T, p.Asp249= (NM_001384160.1); c.579C>T, p.Asp193= (NM_001384161.1, NM_001384162.1).
Identifiers: ClinVar variation 511716 (VCV000511716.52), dbSNP rs554422450, ClinGen allele CA7312737.